The following is an entry in ClinVar:

NM_000057.4(BLM):c.98+1G>C

Gene: BLM (BLM RecQ like helicase; plus strand). Cytogenetic location: 15q26.1.
Variant type: single nucleotide variant.
Coding change: c.98+1G>C on transcript NM_000057.4 (MANE Select); the canonical splice donor site of the intron after coding-DNA position 98, G replaced by C.
Molecular consequence: splice donor variant.
Genome position (GRCh38, 1-based): chr15:90,747,491, G>C. VCF-style: chr15-90747491-G-C. GRCh37 (hg19) VCF-style: chr15-91290721-G-C.
Other names: c.98+1G>C (NM_001287246.2, NM_001287247.2); c.-1194+1G>C (NM_001287248.2).
Identifiers: ClinVar variation 667391 (VCV000667391.30), dbSNP rs750293380, ClinGen allele CA7738231.

ClinVar aggregate classification (germline): Pathogenic/Likely pathogenic. Review status: criteria provided, multiple submitters, no conflicts (2 of 4 stars). 12 submissions from 12 submitters: Pathogenic (5); Likely pathogenic (6). 1 of the submissions does not count toward it. Last evaluated 2026-04-14.

Conditions:
BLM-related disorder. Also called: BLM-related condition.
Bloom syndrome (BLM). Also called: Bloom-Torre-Machacek syndrome. Identifiers: Orphanet 125, MedGen C0005859, MONDO:0008876, OMIM 210900.
Hereditary cancer-predisposing syndrome. Also called: Hereditary Cancer Syndrome; Hereditary neoplastic syndrome; Neoplastic Syndromes, Hereditary; Tumor predisposition. Identifiers: Orphanet 140162, MedGen C0027672, MeSH D009386, MONDO:0015356.

Allele frequency attached by ClinVar (database versions not stated): gnomAD 0.00003; TOPMed 0.00001.
gnomAD v4.1: 22 of 1,591,844 alleles (0.0014%); highest among the groups gnomAD compares: Non-Finnish European, 0.0018%; no homozygotes.

Submissions (12):

GeneDx
Classification: Pathogenic. Last evaluated: 2026-04-14. Review status: criteria provided, single submitter. Criteria: GeneDx Variant Classification Process June 2021. Collection method: clinical testing. Allele origin: germline.
Comment: Canonical splice site variant predicted to result in a null allele in a gene for which loss of function is a known mechanism of disease; Not observed at significant frequency in large population cohorts (gnomAD); Observed with another pathogenic variant in BLM in an individual with Bloom Syndrome in the published literature, however phase was not known (PMID: 39052144); Observed in individuals with colorectal cancer, male breast cancer, prostate cancer, ovarian cancer, or endometrial cancer (PMID: 26358404, 26689913, 29439820, 30441849, 30613976); This variant is associated with the following publications: (PMID: 36493725, 36744932, 36451132, 26689913, 26358404, 30441849, 30613976, 29439820, 17407155, 37688579, 39052144)

Myriad Genetics, Inc.
Classification: Likely pathogenic for Bloom syndrome. Last evaluated: 2025-12-09. Review status: criteria provided, single submitter. Criteria: Myriad Autosomal Dominant, Autosomal Recessive and X-Linked Classification Criteria (2023). Collection method: clinical testing. Allele origin: unknown.
Comment: This variant is considered likely pathogenic. This variant occurs within a consensus splice junction and is predicted to result in abnormal mRNA splicing of either an out-of-frame exon or an in-frame exon necessary for protein stability and/or normal function.

Labcorp Genetics (formerly Invitae), Labcorp
Classification: Pathogenic for Bloom syndrome. Last evaluated: 2025-11-12. Review status: criteria provided, single submitter. Criteria: Invitae Variant Classification Sherloc (09022015). Collection method: clinical testing. Allele origin: germline.
Comment: This sequence change affects a donor splice site in intron 2 of the BLM gene. RNA analysis indicates that disruption of this splice site induces altered splicing and may result in an absent or altered protein product. This variant is present in population databases (rs750293380, gnomAD 0.006%). Disruption of this splice site has been observed in individual(s) with Bloom syndrome, colorectal cancer, endometrial cancer, and/or prostate cancer (PMID: 17407155, 26358404, 26689913, 29439820). ClinVar contains an entry for this variant (Variation ID: 667391). Studies have shown that disruption of this splice site results in exon 2 skipping and activation of a cryptic splice site, and produces a non-functional protein and/or introduces a premature termination codon (internal data). For these reasons, this variant has been classified as Pathogenic.

Natera, Inc.
Classification: Pathogenic for Bloom syndrome. Last evaluated: 2025-04-25. Review status: criteria provided, single submitter. Criteria: Natera Variant Classification Schema (03/2026). Collection method: clinical testing. Allele origin: germline.
Comment: The c.98+1G>C variant in BLM is a canonical splice donor site variant predicted to affect pre-mRNA splicing, which may result in an abnormal transcript and altered protein product. This variant is expected to result in nonsense mediated decay, truncation, or a dysfunctional protein product. This variant is rare in the general population with a frequency below the threshold expected for the associated phenotype(s). This variant has been observed in one or more individuals affected with the associated recessive disease, as either homozygous or compound heterozygous with a second variant (PMID: 39052144). Another variant at this same site results in an alteration predicted to cause a similar molecular effect has been observed in individual(s) with the associated phenotype. Given the available evidence, this variant is classified as Pathogenic.

Laboratory of Genetics, Children's Clinical University Hospital Latvia
Classification: Pathogenic. Last evaluated: 2025-02-16. Review status: criteria provided, single submitter. Criteria: ACMG Guidelines, 2015. Collection method: clinical testing. Allele origin: germline. Affected: yes.

Baylor Genetics
Classification: Likely pathogenic for Bloom syndrome. Last evaluated: 2024-02-28. Review status: criteria provided, single submitter. Criteria: ACMG Guidelines, 2015. Collection method: clinical testing. Allele origin: unknown.

Ambry Genetics
Classification: Likely pathogenic for Hereditary cancer-predisposing syndrome. Last evaluated: 2024-01-11. Review status: criteria provided, single submitter. Criteria: Ambry Variant Classification Scheme 2023. Collection method: clinical testing. Allele origin: germline.
Comment: The c.98+1G>C intronic variant results from a G to C substitution one nucleotide after coding exon 1 of the BLM gene. This nucleotide position is highly conserved in available vertebrate species. Another alteration at this position (c.98+1G>T) has been reported in a compound heterozygous state in an individual with Bloom syndrome (German J et al. Hum. Mutat. 2007 Aug;28(8):743-53). Additionally, another alteration at this position (c.98+1G>A) has been reported in a heterozygous state in an individual with a personal history of early-onset colorectal cancer and a strong family history of colorectal cancer (deVoer RM et al. Sci. Rep. 2015 Sep;5:14060). In silico splice site analysis predicts that this alteration will weaken the native splice donor site. Alterations that disrupt the canonical splice site are expected to cause aberrant splicing, resulting in an abnormal protein or a transcript that is subject to nonsense-mediated mRNA decay. As such, this alteration is classified as likely pathogenic.

Institute of Human Genetics, University of Leipzig Medical Center
Classification: Likely pathogenic for Bloom syndrome. Last evaluated: 2023-09-27. Review status: criteria provided, single submitter. Criteria: ACMG Guidelines, 2015. Collection method: clinical testing. Allele origin: unknown. Inheritance: Autosomal recessive inheritance. Affected: yes.
Comment: Criteria applied: PVS1_MOD,PP1_MOD,PS1_SUP,PM2_SUP

Fulgent Genetics
Classification: Likely pathogenic for Bloom syndrome. Last evaluated: 2022-04-12. Review status: criteria provided, single submitter. Criteria: ACMG Guidelines, 2015. Collection method: clinical testing. Allele origin: unknown.

Institute for Clinical Genetics, University Hospital TU Dresden, University Hospital TU Dresden
Classification: Likely pathogenic. Last evaluated: 2021-11-03. Review status: criteria provided, single submitter. Criteria: ACMG Guidelines, 2015. Collection method: clinical testing. Allele origin: germline.

Laboratory for Molecular Medicine, Mass General Brigham Personalized Medicine
Classification: Pathogenic for Bloom syndrome. Last evaluated: 2018-07-18. Review status: criteria provided, single submitter. Criteria: LMM Criteria. Collection method: clinical testing. Allele origin: germline. Inheritance: Autosomal recessive inheritance. Observed: 1 variant allele.
Comment: The c.98+1G>C variant in BLM has not been reported individuals with Bloom syndro me, but another variant at the same nucleotide position (c.98+1G>T) has been rep orted in the compound heterozygous state in 1 individual with Bloom syndrome (Ge rman 2007). A third variant at this nucleotide position (c.98+1G>A) has been rep orted to segregate with cancer risk in a single pedigree (de Voer 2015). This va riant has been identified in 7/113042 European chromosomes by the Genome Aggrega tion Database (gnomAD; dbSNP rs750293380). Thi s variant occurs in the invariant region (+/- 1/2) of the splice consensus seque nce and is predicted to cause altered splicing leading to an abnormal or absent protein. Loss of function of the BLM gene is an established disease mechanism in autosomal recessive Bloom syndrome. In summary, the c.98+1G>C variant meets cri teria to be classified as pathogenic for Bloom syndrome in an autosomal recessiv e manner. ACMG/AMP criteria applied: PVS1_Strong, PM5, PM2

PreventionGenetics, part of Exact Sciences
Classification: Likely pathogenic for BLM-related condition. Last evaluated: 2024-06-12. Review status: no assertion criteria provided. Collection method: clinical testing. Allele origin: germline. Not counted in ClinVar's aggregate classification.
Comment: The BLM c.98+1G>C variant is predicted to disrupt the GT donor site and interfere with normal splicing. To our knowledge, this variant has not been reported in the literature in BLM associated disorders. This variant is reported in 0.0061% of alleles in individuals of European (Non-Finnish) descent in gnomAD. This variant is interpreted as likely pathogenic or pathogenic in ClinVar. Variants that disrupt the consensus splice donor site in BLM are expected to be pathogenic. This variant is interpreted as likely pathogenic.

Literature cited by the submitters: PubMed 17407155 (cited by Labcorp Genetics (formerly Invitae), Labcorp and Laboratory for Molecular Medicine, Mass General Brigham Personalized Medicine); PubMed 26358404 (cited by Labcorp Genetics (formerly Invitae), Labcorp and Laboratory for Molecular Medicine, Mass General Brigham Personalized Medicine); PubMed 26689913 (cited by Labcorp Genetics (formerly Invitae), Labcorp); PubMed 29439820 (cited by Labcorp Genetics (formerly Invitae), Labcorp); PubMed 39052144 (cited by Natera, Inc.).